The following is an entry in ClinVar:

ClinVar aggregate classification (germline): Uncertain significance (1 of 4 stars; one submission).

Conditions:
Dystonia 12 (DYT12). Also called: Rapid-Onset Dystonia-Parkinsonism (RDP); DYT-ATP1A3. Identifiers: Orphanet 71517, MedGen C1868681, MONDO:0007496, OMIM 128235.

Allele frequency attached by ClinVar (database versions not stated): gnomAD exomes below 0.00001.
gnomAD v4.1: 1 of 1,613,470 alleles (0.000062%); no homozygotes.

Submission:

Labcorp Genetics (formerly Invitae), Labcorp
Classification: Uncertain significance for Dystonia 12. Last evaluated: 2026-01-05. Review status: criteria provided, single submitter. Criteria: Invitae Variant Classification Sherloc (09022015). Collection method: clinical testing. Allele origin: germline.
Comment: This sequence change replaces threonine, which is neutral and polar, with methionine, which is neutral and non-polar, at codon 243 of the ATP1A3 protein (p.Thr243Met). This variant is not present in population databases (gnomAD no frequency). This variant has not been reported in the literature in individuals affected with ATP1A3-related conditions. ClinVar contains an entry for this variant (Variation ID: 935246). Invitae Evidence Modeling of protein sequence and biophysical properties (such as structural, functional, and spatial information, amino acid conservation, physicochemical variation, residue mobility, and thermodynamic stability) indicates that this missense variant is expected to disrupt ATP1A3 protein function with a positive predictive value of 95%. In summary, the available evidence is currently insufficient to determine the role of this variant in disease. Therefore, it has been classified as a Variant of Uncertain Significance.

NM_152296.5(ATP1A3):c.728C>T (p.Thr243Met)

Gene: ATP1A3 (ATPase Na+/K+ transporting subunit alpha 3; minus strand). Cytogenetic location: 19q13.2.
Variant type: single nucleotide variant.
Coding change: c.728C>T on transcript NM_152296.5 (MANE Select); coding-DNA position 728, C replaced by T.
Protein change: p.Thr243Met; replaces threonine 243 with methionine.
Molecular consequence: missense variant.
Genome position (GRCh38, 1-based): chr19:41,985,183, G>A on the plus strand (C>T on the coding strand, the complement: ATP1A3 is on the minus strand). VCF-style: chr19-41985183-G-A. GRCh37 (hg19) VCF-style: chr19-42489335-G-A.
Other names: c.761C>T, p.Thr254Met (NM_001256213.2); c.767C>T, p.Thr256Met (NM_001256214.2); short protein forms T254M, T256M, T243M.
Identifiers: ClinVar variation 935246 (VCV000935246.9), dbSNP rs2075274884, ClinGen allele CA406053281.